The following is an entry in ClinVar:

NM_002519.3(NPAT):c.2698C>T (p.Gln900Ter)

Gene: NPAT (nuclear protein, coactivator of histone transcription; minus strand). Cytogenetic location: 11q22.3.
Variant type: single nucleotide variant.
Coding change: c.2698C>T on transcript NM_002519.3 (MANE Select); coding-DNA position 2698, C replaced by T.
Protein change: p.Gln900Ter; replaces glutamine 900 with a stop codon.
Molecular consequence: nonsense.
Genome position (GRCh38, 1-based): chr11:108,172,286, G>A on the plus strand (C>T on the coding strand, the complement: NPAT is on the minus strand). VCF-style: chr11-108172286-G-A. GRCh37 (hg19) VCF-style: chr11-108043013-G-A.
Other names: c.2698C>T, p.Gln900Ter (NM_001321307.1); short protein forms Q900*.
Identifiers: ClinVar variation 4721751 (VCV004721751.1).
Genomic context (GRCh38, chr11:108,172,286, plus strand): 5'-GGTTGACAGCAAATACACTGTTTGACCTTGGTGGTGTCTGTAACTGAGGTGGTAGAGGTT[G>A]AGCAGTCATAGGTGCAGAATTTCCAGGCAACACCACTACATTAGACTGACTTACAGATGT-3'

ClinVar aggregate classification (germline): Uncertain significance (1 of 4 stars; one submission).

Submission:

Labcorp Genetics (formerly Invitae), Labcorp
Classification: Uncertain significance. Last evaluated: 2025-06-19. Review status: criteria provided, single submitter. Criteria: Invitae Variant Classification Sherloc (09022015). Collection method: clinical testing. Allele origin: germline.
Comment: This sequence change creates a premature translational stop signal (p.Gln900*) in the NPAT gene. It is expected to result in an absent or disrupted protein product. However, the current clinical and genetic evidence is not sufficient to establish whether loss-of-function variants in NPAT cause disease. This variant is not present in population databases (gnomAD no frequency). This variant has not been reported in the literature in individuals affected with NPAT-related conditions. In summary, the available evidence is currently insufficient to determine the role of this variant in disease. Therefore, it has been classified as a Variant of Uncertain Significance.